The following is an entry in ClinVar:

NM_000444.6(PHEX):c.1249G>A (p.Val417Ile)

Gene: PHEX (phosphate regulating endopeptidase X-linked; plus strand). Cytogenetic location: Xp22.11.
Variant type: single nucleotide variant.
Coding change: c.1249G>A on transcript NM_000444.6 (MANE Select); coding-DNA position 1249, G replaced by A.
Protein change: p.Val417Ile; replaces valine 417 with isoleucine.
Molecular consequence: missense variant.
Genome position (GRCh38, 1-based): chrX:22,114,533, G>A. VCF-style: chrX-22114533-G-A. GRCh37 (hg19) VCF-style: chrX-22132651-G-A.
Other names: c.1249G>A, p.Val417Ile (NM_001282754.2); short protein forms V417I.
Identifiers: ClinVar variation 2757221 (VCV002757221.3), dbSNP rs1931148529, ClinGen allele CA412573533.

ClinVar aggregate classification (germline): Uncertain significance (1 of 4 stars; one submission).

Allele frequency attached by ClinVar (database versions not stated): TOPMed below 0.00001.

Submission:

Labcorp Genetics (formerly Invitae), Labcorp
Classification: Uncertain significance. Last evaluated: 2023-09-01. Review status: criteria provided, single submitter. Criteria: Invitae Variant Classification Sherloc (09022015). Collection method: clinical testing. Allele origin: germline.
Comment: Advanced modeling of protein sequence and biophysical properties (such as structural, functional, and spatial information, amino acid conservation, physicochemical variation, residue mobility, and thermodynamic stability) performed at Invitae indicates that this missense variant is expected to disrupt PHEX protein function. In summary, the available evidence is currently insufficient to determine the role of this variant in disease. Therefore, it has been classified as a Variant of Uncertain Significance. This variant has not been reported in the literature in individuals affected with PHEX-related conditions. This variant is not present in population databases (gnomAD no frequency). This sequence change replaces valine, which is neutral and non-polar, with isoleucine, which is neutral and non-polar, at codon 417 of the PHEX protein (p.Val417Ile).